The following is an entry in ClinVar:

NM_152393.4(KLHL40):c.761T>G (p.Val254Gly)

Gene: KLHL40 (kelch like family member 40; plus strand). Cytogenetic location: 3p22.1.
Variant type: single nucleotide variant.
Coding change: c.761T>G on transcript NM_152393.4 (MANE Select); coding-DNA position 761, T replaced by G.
Protein change: p.Val254Gly; replaces valine 254 with glycine.
Molecular consequence: missense variant.
Genome position (GRCh38, 1-based): chr3:42,686,379, T>G. VCF-style: chr3-42686379-T-G. GRCh37 (hg19) VCF-style: chr3-42727871-T-G.
Other names: short protein forms V254G.
Identifiers: ClinVar variation 1016559 (VCV001016559.5), dbSNP rs1575218760, ClinGen allele CA352290834.

ClinVar aggregate classification (germline): Uncertain significance (1 of 4 stars; one submission).

Conditions:
Nemaline myopathy 8 (NEM8). Also called: Nemaline myopathy 8, autosomal recessive. Identifiers: Orphanet 171430, MedGen C3809209, MONDO:0014138, OMIM 615348.

Submission:

Labcorp Genetics (formerly Invitae), Labcorp
Classification: Uncertain significance for Nemaline myopathy 8. Last evaluated: 2022-07-05. Review status: criteria provided, single submitter. Criteria: Invitae Variant Classification Sherloc (09022015). Collection method: clinical testing. Allele origin: germline.
Comment: ClinVar contains an entry for this variant (Variation ID: 1016559). This sequence change replaces valine, which is neutral and non-polar, with glycine, which is neutral and non-polar, at codon 254 of the KLHL40 protein (p.Val254Gly). This variant is not present in population databases (gnomAD no frequency). This variant has not been reported in the literature in individuals affected with KLHL40-related conditions. Algorithms developed to predict the effect of missense changes on protein structure and function (SIFT, PolyPhen-2, Align-GVGD) all suggest that this variant is likely to be disruptive. In summary, the available evidence is currently insufficient to determine the role of this variant in disease. Therefore, it has been classified as a Variant of Uncertain Significance.